The following is an entry in ClinVar:

ClinVar aggregate classification (germline): Uncertain significance (1 of 4 stars; one submission).

Conditions:
MEGF8-related Carpenter syndrome. Also called: Carpenter syndrome 2. Identifiers: Orphanet 65759, MedGen C3554247, MONDO:0013998, OMIM 614976.

gnomAD v4.1: 4 of 1,611,548 alleles (0.00025%); highest among the groups gnomAD compares: Admixed American, 0.0034%; no homozygotes.

Submission:

Labcorp Genetics (formerly Invitae), Labcorp
Classification: Uncertain significance for MEGF8-related Carpenter syndrome. Last evaluated: 2022-09-30. Review status: criteria provided, single submitter. Criteria: Invitae Variant Classification Sherloc (09022015). Collection method: clinical testing. Allele origin: germline.
Comment: This variant is present in population databases (no rsID available, gnomAD 0.01%). In summary, the available evidence is currently insufficient to determine the role of this variant in disease. Therefore, it has been classified as a Variant of Uncertain Significance. Algorithms developed to predict the effect of sequence changes on RNA splicing suggest that this variant may create or strengthen a splice site. Algorithms developed to predict the effect of missense changes on protein structure and function are either unavailable or do not agree on the potential impact of this missense change (SIFT: "Deleterious"; PolyPhen-2: "Benign"; Align-GVGD: "Class C0"). ClinVar contains an entry for this variant (Variation ID: 1361893). This variant has not been reported in the literature in individuals affected with MEGF8-related conditions. This sequence change replaces leucine, which is neutral and non-polar, with phenylalanine, which is neutral and non-polar, at codon 1698 of the MEGF8 protein (p.Leu1698Phe).

NM_001271938.2(MEGF8):c.5293C>T (p.Leu1765Phe)

Gene: MEGF8 (multiple EGF like domains 8; plus strand). Cytogenetic location: 19q13.2.
Variant type: single nucleotide variant.
Coding change: c.5293C>T on transcript NM_001271938.2 (MANE Select); coding-DNA position 5293, C replaced by T.
Protein change: p.Leu1765Phe; replaces leucine 1765 with phenylalanine.
Molecular consequence: missense variant.
Genome position (GRCh38, 1-based): chr19:42,358,904, C>T. VCF-style: chr19-42358904-C-T. GRCh37 (hg19) VCF-style: chr19-42863056-C-T.
Other names: c.5092C>T, p.Leu1698Phe (NM_001410.3); short protein forms L1765F, L1698F.
Identifiers: ClinVar variation 1361893 (VCV001361893.8), dbSNP rs1201933643, ClinGen allele CA406123588.